The following is an entry in ClinVar:

NM_020822.3(KCNT1):c.861C>T (p.Cys287=)

Gene: KCNT1 (potassium sodium-activated channel subfamily T member 1; plus strand). Cytogenetic location: 9q34.3.
Variant type: single nucleotide variant.
Coding change: c.861C>T on transcript NM_020822.3 (MANE Select); coding-DNA position 861, C replaced by T.
Protein change: p.Cys287=; no amino-acid change (cysteine 287 retained).
Molecular consequence: synonymous variant.
Genome position (GRCh38, 1-based): chr9:135,759,685, C>T. VCF-style: chr9-135759685-C-T. GRCh37 (hg19) VCF-style: chr9-138651531-C-T.
Other names: c.726C>T, p.Cys242= (NM_001272003.2).
Identifiers: ClinVar variation 590016 (VCV000590016.45), dbSNP rs750884338, ClinGen allele CA5326699.

ClinVar aggregate classification (germline): Likely benign. Review status: criteria provided, multiple submitters, no conflicts (2 of 4 stars). 5 submissions from 4 submitters: Likely benign (5). Last evaluated 2025-02-24.

Conditions:
Inborn genetic diseases. Identifiers: MedGen C0950123, MeSH D030342.
Developmental and epileptic encephalopathy, 14 (DEE14). Also called: Early infantile epileptic encephalopathy 14. Identifiers: Orphanet 293181, MedGen C3554195, MONDO:0013989, OMIM 614959.
Autosomal dominant nocturnal frontal lobe epilepsy 5. Also called: Epilepsy, nocturnal frontal lobe, 5; CILIARY DYSKINESIA, PRIMARY, 28, WITHOUT SITUS INVERSUS; CILIARY DYSKINESIA, PRIMARY, 28, WITH SITUS INVERSUS; KCNT1-Related Epilepsy. Identifiers: Orphanet 98784, MedGen C3554306, MONDO:0014002, OMIM 615005.

Allele frequency attached by ClinVar (database versions not stated): gnomAD 0.00001; TOPMed 0.00001; ExAC 0.00002; gnomAD exomes 0.00002.
gnomAD v4.1: 17 of 1,603,726 alleles (0.0011%); highest among the groups gnomAD compares: East Asian, 0.0045%; no homozygotes.

Submissions (5):

Labcorp Genetics (formerly Invitae), Labcorp
Classification: Likely benign for Autosomal dominant nocturnal frontal lobe epilepsy 5; Developmental and epileptic encephalopathy, 14. Last evaluated: 2025-02-24. Review status: criteria provided, single submitter. Criteria: Invitae Variant Classification Sherloc (09022015). Collection method: clinical testing. Allele origin: germline.

CeGaT Center for Human Genetics Tuebingen
Classification: Likely benign. Last evaluated: 2022-07-01. Review status: criteria provided, single submitter. Criteria: CeGaT Center For Human Genetics Tuebingen Variant Classification Criteria Version 2. Collection method: clinical testing. Allele origin: germline. Affected: yes. Observed: 2 variant alleles.
Comment: KCNT1: BP4, BP7

Genome-Nilou Lab
Classification: Likely benign for Developmental and epileptic encephalopathy, 14. Last evaluated: 2022-03-15. Review status: criteria provided, single submitter. Criteria: ACMG Guidelines, 2015. Collection method: clinical testing. Allele origin: germline. Affected: no.

Genome-Nilou Lab
Classification: Likely benign for Autosomal dominant nocturnal frontal lobe epilepsy 5. Last evaluated: 2022-03-15. Review status: criteria provided, single submitter. Criteria: ACMG Guidelines, 2015. Collection method: clinical testing. Allele origin: germline. Affected: no.

Ambry Genetics
Classification: Likely benign for Inborn genetic diseases. Last evaluated: 2017-01-20. Review status: criteria provided, single submitter. Criteria: Ambry Variant Classification Scheme 2023. Collection method: clinical testing. Allele origin: germline.